The following is an entry in ClinVar:

Conditions:
Breast-ovarian cancer, familial, susceptibility to, 1 (BROVCA1). Also called: BRCA1 Hereditary Breast and Ovarian Cancer; OVARIAN CANCER, SUSCEPTIBILITY TO. Identifiers: Orphanet 145, MedGen C2676676, MONDO:0011450, OMIM 604370. Disease mechanism: loss of function.

Submission:

Brotman Baty Institute, University of Washington
No classification provided (evidence only). Condition: Breast-ovarian cancer, familial 1. Review status: no classification provided. Collection method: in vitro. Allele origin: not applicable. Functional consequence: functionally_normal.
ClinVar note: "not provided" was previously submitted as the classification for the variant. However, the classification appeared to be based only on an observation of functional data so it was converted to no classification on 2025-07-30.

NM_007294.4(BRCA1):c.81-5G>C

Gene: BRCA1 (BRCA1 DNA repair associated; minus strand). Cytogenetic location: 17q21.31.
Variant type: single nucleotide variant.
Coding change: c.81-5G>C on transcript NM_007294.4 (MANE Select); 5 bases into the intron before coding-DNA position 81, G replaced by C.
Molecular consequence: intron variant.
Genome position (GRCh38, 1-based): chr17:43,115,784, C>G on the plus strand (G>C on the coding strand, the complement: BRCA1 is on the minus strand). VCF-style: chr17-43115784-C-G. GRCh37 (hg19) VCF-style: chr17-41267801-C-G.
Other names: c.-61-5G>C (NM_001408458.1, NM_001408470.1, NM_001407848.1 and 47 more transcripts); c.-219+9493G>C (NM_001407967.1); c.-170+9493G>C (NM_001407959.1); c.-7-9251G>C (NM_001407931.1, NM_001407747.1, NM_001408511.1 and 2 more transcripts); c.-223-5G>C (NM_001407962.1, NM_001408512.1, NM_001408510.1 and 1 more transcripts); c.-108-5G>C (NM_001407885.1, NM_001407886.1, NM_001408509.1 and 52 more transcripts); c.-177-5G>C (NM_001407746.1, NM_001408468.1, NM_001407842.1 and 13 more transcripts); c.-8+8233G>C (NM_001408461.1, NM_001407738.1, NM_001407932.1 and 23 more transcripts); and 10 more.
Identifiers: ClinVar variation 868115 (VCV000868115.3), dbSNP rs1555599296, ClinGen allele CA916081032.